The following is an entry in ClinVar:

ClinVar aggregate classification (germline): Conflicting classifications of pathogenicity. Review status: criteria provided, conflicting classifications (1 of 4 stars). 11 submissions from 9 submitters: Uncertain significance (1); Benign (2); Likely benign (4). 4 of the submissions do not count toward it. Last evaluated 2026-01-31.

Conditions:
Meckel-Gruber syndrome. Also called: Dysencephalia splachnocystica; DYSENCEPHALIA SPLANCHNOCYSTICA; GRUBER SYNDROME. Identifiers: Orphanet 564, MedGen C0265215, MONDO:0018921.
Joubert syndrome. Also called: JOUBERT-BOLTSHAUSER SYNDROME; Familial aplasia of the vermis. Identifiers: Orphanet 475, MedGen C5979921, MONDO:0018772.
Nephronophthisis 8. Identifiers: MedGen CN119610.
Meckel syndrome, type 5 (MKS5). Identifiers: Orphanet 564, MedGen C1969052, MONDO:0012695, OMIM 611561.
RPGRIP1L-related disorder. Also called: RPGRIP1L-related condition; RPGRIP1L-related disorders. Identifiers: MedGen CN239416.
Joubert syndrome 7 (JBTS7). Identifiers: Orphanet 220497, MedGen C1969053, MONDO:0012694, OMIM 611560.

Allele frequency attached by ClinVar (database versions not stated): gnomAD exomes 0.00108; ExAC 0.00138; 1000 Genomes Project 0.00439; gnomAD 0.00478 and 0.00517; 1000 Genomes Project 30x 0.00515; TOPMed 0.00528; ESP Exome Variant Server 0.00608.

Submissions (11):

Labcorp Genetics (formerly Invitae), Labcorp
Classification: Benign for Joubert syndrome; Meckel-Gruber syndrome. Last evaluated: 2026-01-31. Review status: criteria provided, single submitter. Criteria: Invitae Variant Classification Sherloc (09022015). Collection method: clinical testing. Allele origin: germline.

Blueprint Genetics
Classification: Likely benign. Last evaluated: 2024-11-26. Review status: criteria provided, single submitter. Criteria: ACMG Guidelines, 2015. Collection method: clinical testing. Allele origin: germline.

GeneDx
Classification: Benign. Last evaluated: 2019-01-28. Review status: criteria provided, single submitter. Criteria: GeneDx Variant Classification Process June 2021. Collection method: clinical testing. Allele origin: germline. Affected: yes.
Comment: This variant is associated with the following publications: (PMID: 28118382)

Illumina Laboratory Services, Illumina
Classification: Uncertain significance for Meckel syndrome, type 5. Last evaluated: 2018-01-13. Review status: criteria provided, single submitter. Criteria: ICSL Variant Classification Criteria 13 December 2019. Collection method: clinical testing. Allele origin: germline.

Illumina Laboratory Services, Illumina
Classification: Likely benign for Nephronophthisis 8. Last evaluated: 2018-01-13. Review status: criteria provided, single submitter. Criteria: ICSL Variant Classification Criteria 13 December 2019. Collection method: clinical testing. Allele origin: germline.
Comment: This variant was observed in the ICSL laboratory as part of a predisposition screen in an ostensibly healthy population. It had not been previously curated by ICSL or reported in the Human Gene Mutation Database (HGMD: prior to June 1st, 2018), and was therefore a candidate for classification through an automated scoring system. Utilizing variant allele frequency, disease prevalence and penetrance estimates, and inheritance mode, an automated score was calculated to assess if this variant is too frequent to cause the disease. Based on the score and internal cut-off values, a variant classified as likely benign is not then subjected to further curation. The score for this variant resulted in a classification of likely benign for this disease.

Illumina Laboratory Services, Illumina
Classification: Likely benign for Joubert syndrome 7. Last evaluated: 2018-01-13. Review status: criteria provided, single submitter. Criteria: ICSL Variant Classification Criteria 13 December 2019. Collection method: clinical testing. Allele origin: germline.
Comment: the same text as in the submission from Illumina Laboratory Services, Illumina above.

Center for Pediatric Genomic Medicine, Children's Mercy Hospital and Clinics
Classification: Likely benign. Last evaluated: 2015-12-22. Review status: criteria provided, single submitter. Criteria: ACMG Guidelines, 2015. Collection method: clinical testing. Allele origin: germline.
ClinVar note: Converted during submission from Likely Benign to Likely benign.

PreventionGenetics, part of Exact Sciences
Classification: Benign for RPGRIP1L-related condition. Last evaluated: 2022-03-21. Review status: no assertion criteria provided. Collection method: clinical testing. Allele origin: germline. Not counted in ClinVar's aggregate classification.
Comment: This variant is classified as benign based on ACMG/AMP sequence variant interpretation guidelines (Richards et al. 2015 PMID: 25741868, with internal and published modifications).

Natera, Inc.
Classification: Benign for Joubert syndrome. Last evaluated: 2019-12-10. Review status: no assertion criteria provided. Collection method: clinical testing. Allele origin: germline. Not counted in ClinVar's aggregate classification.

Clinical Genetics, Academic Medical Center
Classification: Benign. Review status: no assertion criteria provided. Collection method: clinical testing. Allele origin: germline. Affected: yes. Study: VKGL Data-share Consensus. Not counted in ClinVar's aggregate classification.

Laboratory of Diagnostic Genome Analysis, Leiden University Medical Center (LUMC)
Classification: Likely benign. Review status: no assertion criteria provided. Collection method: clinical testing. Allele origin: germline. Affected: yes. Study: VKGL Data-share Consensus. Not counted in ClinVar's aggregate classification.

NM_015272.5(RPGRIP1L):c.1165A>G (p.Ile389Val)

Gene: RPGRIP1L (RPGRIP1 like; minus strand). Cytogenetic location: 16q12.2.
Variant type: single nucleotide variant.
Coding change: c.1165A>G on transcript NM_015272.5 (MANE Select); coding-DNA position 1165, A replaced by G.
Protein change: p.Ile389Val; replaces isoleucine 389 with valine.
Molecular consequence: missense variant.
Genome position (GRCh38, 1-based): chr16:53,664,948, T>C on the plus strand (A>G on the coding strand, the complement: RPGRIP1L is on the minus strand). VCF-style: chr16-53664948-T-C. GRCh37 (hg19) VCF-style: chr16-53698860-T-C.
Other names: c.1165A>G, p.Ile389Val (NM_001127897.4, NM_001308334.3, NM_001330538.2); c.1165A>G (NM_015272.4); short protein forms I389V.
Identifiers: ClinVar variation 235423 (VCV000235423.26), dbSNP rs79708859, ClinGen allele CA8057886.